The following is an entry in ClinVar:

ClinVar aggregate classification (germline): Pathogenic. Review status: criteria provided, multiple submitters, no conflicts (2 of 4 stars). 4 submissions from 4 submitters: Pathogenic (2). 2 of the submissions do not count toward it. Last evaluated 2025-07-13.

Conditions:
CHARGE syndrome (CHARGE). Also called: Hittner Hirsch Kreh syndrome; Coloboma, heart anomaly, choanal atresia, retardation, genital and ear anomalies; CHARGE association; Hall-Hittner syndrome; CHARGE ASSOCIATION--COLOBOMA, HEART ANOMALY, CHOANAL ATRESIA, RETARDATION, GENITAL AND EAR ANOMALIES. Identifiers: Orphanet 138, MedGen C0265354, MONDO:0008965.

Submissions (4):

Labcorp Genetics (formerly Invitae), Labcorp
Classification: Pathogenic for CHARGE syndrome. Last evaluated: 2025-07-13. Review status: criteria provided, single submitter. Criteria: Invitae Variant Classification Sherloc (09022015). Collection method: clinical testing. Allele origin: germline.
Comment: This sequence change creates a premature translational stop signal (p.Gln1599*) in the CHD7 gene. It is expected to result in an absent or disrupted protein product. Loss-of-function variants in CHD7 are known to be pathogenic (PMID: 22461308, 25077900). This variant is not present in population databases (gnomAD no frequency). This premature translational stop signal has been observed in individual(s) with clinical features of CHARGE syndrome (PMID: 18073582, 23665959). ClinVar contains an entry for this variant (Variation ID: 2038). For these reasons, this variant has been classified as Pathogenic.

GeneDx
Classification: Pathogenic. Last evaluated: 2015-07-21. Review status: criteria provided, single submitter. Criteria: GeneDx Variant Classification (06012015). Collection method: clinical testing. Allele origin: germline. Affected: yes.
Comment: The Q1599X nonsense variant in the CHD7 gene has been reported previously as de novo in association with congenital heart disease (Zaidi et al., 2013). This variant is predicted to cause loss of normal protein function either through protein truncation or nonsense-mediated mRNA decay. Q1599X was not observed in approximately 6,500 individuals of European and African American ancestry in the NHLBI Exome Sequencing Project, indicating it is not a common benign variant in these populations. Approximately 45% of CHD7 pathogenic variants are nonsense changes predicted to cause loss of normal protein function either through protein truncation or nonsense-mediated mRNA decay (Janssen et al., 2012; Zentner et al, 2010). Therefore, we interpret the Q1599X variant to be pathogenic.

OMIM
Classification: Pathogenic for CHARGE SYNDROME. Last evaluated: 2008-10-01. Review status: no assertion criteria provided. Collection method: literature only. Allele origin: germline. Not counted in ClinVar's aggregate classification.

Richard Lifton Laboratory, Yale University School of Medicine
No classification provided. Review status: no classification provided. Collection method: not provided. Allele origin: germline. Not counted in ClinVar's aggregate classification.
Comment: CHD7
ClinVar note: Converted during submission from untested to not provided.

Literature cited by the submitters: PubMed 22461308 (cited by Labcorp Genetics (formerly Invitae), Labcorp); PubMed 25077900 (cited by Labcorp Genetics (formerly Invitae), Labcorp); PubMed 18073582 (cited by Labcorp Genetics (formerly Invitae), Labcorp); PubMed 23665959 (cited by Labcorp Genetics (formerly Invitae), Labcorp); PubMed 18978652 (cited by OMIM).

NM_017780.4(CHD7):c.4795C>T (p.Gln1599Ter)

Gene: CHD7 (chromodomain helicase DNA binding protein 7; plus strand). Cytogenetic location: 8q12.2.
Variant type: single nucleotide variant.
Coding change: c.4795C>T on transcript NM_017780.4 (MANE Select); coding-DNA position 4795, C replaced by T.
Protein change: p.Gln1599Ter; replaces glutamine 1599 with a stop codon.
Molecular consequence: nonsense. On other transcripts: intron variant (1).
Genome position (GRCh38, 1-based): chr8:60,841,997, C>T. VCF-style: chr8-60841997-C-T. GRCh37 (hg19) VCF-style: chr8-61754556-C-T.
Other names: c.1717-20232C>T (NM_001316690.1); c.4795C>T, p.Gln1599Ter (LRG_176t1); short protein forms Q1599*.
Identifiers: ClinVar variation 2038 (VCV000002038.4), dbSNP rs267606724, ClinGen allele CA232419.